The following is an entry in ClinVar:

NM_000071.3(CBS):c.742C>G (p.Leu248Val)

Gene: CBS (cystathionine beta-synthase; minus strand). Cytogenetic location: 21q22.3.
Variant type: single nucleotide variant.
Coding change: c.742C>G on transcript NM_000071.3 (MANE Select); coding-DNA position 742, C replaced by G.
Protein change: p.Leu248Val; replaces leucine 248 with valine.
Molecular consequence: missense variant.
Genome position (GRCh38, 1-based): chr21:43,063,986, G>C on the plus strand (C>G on the coding strand, the complement: CBS is on the minus strand). VCF-style: chr21-43063986-G-C. GRCh37 (hg19) VCF-style: chr21-44484096-G-C.
Other names: c.742C>G, p.Leu248Val (NM_001178008.3, NM_001178009.3, NM_001320298.2); c.427C>G, p.Leu143Val (NM_001321072.1); short protein forms L143V, L248V.
Identifiers: ClinVar variation 4803218 (VCV004803218.1).

ClinVar aggregate classification (germline): Uncertain significance (1 of 4 stars; one submission).

Conditions:
HYPERHOMOCYSTEINEMIA, THROMBOTIC, CBS-RELATED. Identifiers: MedGen C3150344, OMIM 236200.

Submission:

Labcorp Genetics (formerly Invitae), Labcorp
Classification: Uncertain significance for HYPERHOMOCYSTEINEMIA, THROMBOTIC, CBS-RELATED. Last evaluated: 2025-05-19. Review status: criteria provided, single submitter. Criteria: Invitae Variant Classification Sherloc (09022015). Collection method: clinical testing. Allele origin: germline.
Comment: This sequence change replaces leucine, which is neutral and non-polar, with valine, which is neutral and non-polar, at codon 248 of the CBS protein (p.Leu248Val). This variant is not present in population databases (gnomAD no frequency). This variant has not been reported in the literature in individuals affected with CBS-related conditions. An algorithm developed to predict the effect of missense changes on protein structure and function outputs the following: PolyPhen-2: "Benign". The valine amino acid residue is found in multiple mammalian species, which suggests that this missense change does not adversely affect protein function. In summary, the available evidence is currently insufficient to determine the role of this variant in disease. Therefore, it has been classified as a Variant of Uncertain Significance.